The following is an entry in ClinVar:

ClinVar aggregate classification (germline): Uncertain significance (1 of 4 stars; one submission).

Conditions:
Dyskeratosis congenita. Identifiers: Orphanet 1775, MedGen C0265965, MONDO:0015780.

gnomAD v4.1: 1 of 1,613,184 alleles (0.000062%); highest among the groups gnomAD compares: Non-Finnish European, 0.000085%; no homozygotes.

Submission:

Ambry Genetics
Classification: Uncertain significance for Dyskeratosis congenita. Last evaluated: 2023-02-12. Review status: criteria provided, single submitter. Criteria: Ambry Variant Classification Scheme 2023. Collection method: clinical testing. Allele origin: germline.
Comment: The p.R1084G variant (also known as c.3250C>G), located in coding exon 15 of the TERT gene, results from a C to G substitution at nucleotide position 3250. The arginine at codon 1084 is replaced by glycine, an amino acid with dissimilar properties. This amino acid position is conserved. In addition, the in silico prediction for this alteration is inconclusive. Since supporting evidence is limited at this time, the clinical significance of this alteration remains unclear.

NM_198253.3(TERT):c.3250C>G (p.Arg1084Gly)

Gene: TERT (telomerase reverse transcriptase; minus strand). Cytogenetic location: 5p15.33.
Variant type: single nucleotide variant.
Coding change: c.3250C>G on transcript NM_198253.3 (MANE Select); coding-DNA position 3250, C replaced by G.
Protein change: p.Arg1084Gly; replaces arginine 1084 with glycine.
Molecular consequence: missense variant. On other transcripts: non-coding transcript variant (2).
Genome position (GRCh38, 1-based): chr5:1,254,413, G>C on the plus strand (C>G on the coding strand, the complement: TERT is on the minus strand). VCF-style: chr5-1254413-G-C. GRCh37 (hg19) VCF-style: chr5-1254528-G-C.
Other names: c.3061C>G, p.Arg1021Gly (NM_001193376.3); c.3250C>G, p.Arg1084Gly (NM_003219.1); short protein forms R1021G, R1084G.
Identifiers: ClinVar variation 2454086 (VCV002454086.2), dbSNP rs750951309, ClinGen allele CA359067228.
Genomic context (GRCh38, chr5:1,254,413, plus strand): 5'-TCCACCCACACTTGCCTGTCCTGAGTGACCCCAGGAGTGGCACGTAGGTGACACGGTGTC[G>C]AGTCAGCTTGAGCAGGAATGCTTGGTGGCACAGCCACTGCACGGCCTCGGAGGGCAGAGG-3'
Protein context (NP_937983.2, residues 1074-1094): CHQAFLLKLT[Arg1084Gly]HRVTYVPLLG